The following is an entry in ClinVar:

NM_002474.3(MYH11):c.2147C>A (p.Pro716His)

Gene: MYH11 (myosin heavy chain 11; minus strand). Cytogenetic location: 16p13.11.
Variant type: single nucleotide variant.
Coding change: c.2147C>A on transcript NM_002474.3 (MANE Select); coding-DNA position 2147, C replaced by A.
Protein change: p.Pro716His; replaces proline 716 with histidine.
Molecular consequence: missense variant.
Genome position (GRCh38, 1-based): chr16:15,748,080, G>T on the plus strand (C>A on the coding strand, the complement: MYH11 is on the minus strand). VCF-style: chr16-15748080-G-T. GRCh37 (hg19) VCF-style: chr16-15841937-G-T.
Other names: c.2168C>A, p.Pro723His (NM_001040113.2, NM_001040114.2); c.2147C>A, p.Pro716His (NM_022844.3); short protein forms P716H, P723H.
Identifiers: ClinVar variation 653912 (VCV000653912.10), dbSNP rs1596774009, ClinGen allele CA394868032.

ClinVar aggregate classification (germline): Uncertain significance. Review status: criteria provided, multiple submitters, no conflicts (2 of 4 stars). 2 submissions from 2 submitters: Uncertain significance (2). Last evaluated 2022-06-14.

Conditions:
Familial thoracic aortic aneurysm and aortic dissection (TAAD). Also called: Thoracic aortic aneurysms and dissections. Identifiers: Orphanet 91387, MedGen C4707243, MONDO:0019625.
Aortic aneurysm, familial thoracic 4 (AAT4). Also called: AORTIC ANEURYSM/AORTIC DISSECTION AND PATENT DUCTUS ARTERIOSUS. Identifiers: MedGen C1851504, MONDO:0007568, OMIM 132900.

Submissions (2):

Ambry Genetics
Classification: Uncertain significance for Familial thoracic aortic aneurysm and aortic dissection. Last evaluated: 2022-06-14. Review status: criteria provided, single submitter. Criteria: Ambry Variant Classification Scheme 2023. Collection method: clinical testing. Allele origin: germline.
Comment: The p.P716H variant (also known as c.2147C>A), located in coding exon 16 of the MYH11 gene, results from a C to A substitution at nucleotide position 2147. The proline at codon 716 is replaced by histidine, an amino acid with similar properties. This amino acid position is conserved. In addition, this alteration is predicted to be deleterious by in silico analysis. Since supporting evidence is limited at this time, the clinical significance of this alteration remains unclear.

Labcorp Genetics (formerly Invitae), Labcorp
Classification: Uncertain significance for Aortic aneurysm, familial thoracic 4. Last evaluated: 2022-03-02. Review status: criteria provided, single submitter. Criteria: Invitae Variant Classification Sherloc (09022015). Collection method: clinical testing. Allele origin: germline.
Comment: In summary, the available evidence is currently insufficient to determine the role of this variant in disease. Therefore, it has been classified as a Variant of Uncertain Significance. This sequence change replaces proline, which is neutral and non-polar, with histidine, which is basic and polar, at codon 723 of the MYH11 protein (p.Pro723His). This variant is not present in population databases (gnomAD no frequency). This variant has not been reported in the literature in individuals affected with MYH11-related conditions. ClinVar contains an entry for this variant (Variation ID: 653912). Algorithms developed to predict the effect of missense changes on protein structure and function (SIFT, PolyPhen-2, Align-GVGD) all suggest that this variant is likely to be disruptive.